The following is an entry in ClinVar:

ClinVar aggregate classification (germline): Likely benign (1 of 4 stars; one submission).

Submission:

CeGaT Center for Human Genetics Tuebingen
Classification: Likely benign. Last evaluated: 2023-04-01. Review status: criteria provided, single submitter. Criteria: CeGaT Center For Human Genetics Tuebingen Variant Classification Criteria Version 2. Collection method: clinical testing. Allele origin: germline. Affected: yes. Observed: 1 variant allele.
Comment: RPUSD1: PM2:Supporting, BP4, BP7

NM_058192.3(RPUSD1):c.750C>G (p.Leu250=)

Gene: RPUSD1 (RNA pseudouridine synthase domain containing 1; minus strand). Cytogenetic location: 16p13.3.
Variant type: single nucleotide variant.
Coding change: c.750C>G on transcript NM_058192.3 (MANE Select); coding-DNA position 750, C replaced by G.
Protein change: p.Leu250=; no amino-acid change (leucine 250 retained).
Molecular consequence: synonymous variant. On other transcripts: 3 prime UTR variant (1).
Genome position (GRCh38, 1-based): chr16:786,139, G>C on the plus strand (C>G on the coding strand, the complement: RPUSD1 is on the minus strand). VCF-style: chr16-786139-G-C. GRCh37 (hg19) VCF-style: chr16-836139-G-C.
Other names: c.759C>G, p.Leu253= (NM_001324086.2); c.372C>G, p.Leu124= (NM_001324410.2, NM_001369659.1); c.*251C>G (NM_001324411.2); c.363C>G, p.Leu121= (NM_001324412.2, NM_001324413.2, NM_001324414.2 and 2 more transcripts); c.702C>G, p.Leu234= (NM_001369658.1).
Identifiers: ClinVar variation 2645863 (VCV002645863.24), dbSNP rs187510850, ClinGen allele CA276543257.